The following is an entry in ClinVar:

NM_032043.3(BRIP1):c.2747A>C (p.Tyr916Ser)

Gene: BRIP1 (BRCA1 interacting DNA helicase 1; minus strand). Cytogenetic location: 17q23.2.
Variant type: single nucleotide variant.
Coding change: c.2747A>C on transcript NM_032043.3 (MANE Select); coding-DNA position 2747, A replaced by C.
Protein change: p.Tyr916Ser; replaces tyrosine 916 with serine.
Molecular consequence: missense variant.
Genome position (GRCh38, 1-based): chr17:61,685,994, T>G on the plus strand (A>C on the coding strand, the complement: BRIP1 is on the minus strand). VCF-style: chr17-61685994-T-G. GRCh37 (hg19) VCF-style: chr17-59763355-T-G.
Other names: short protein forms Y916S.
Identifiers: ClinVar variation 821752 (VCV000821752.4), dbSNP rs1603276760, ClinGen allele CA400481616.
Genomic context (GRCh38, chr17:61,685,994, plus strand): 5'-TCCACAAAATTTTCTGGTGATAGATGACTTGCTGCTTCCAGTAAATAAGGTGAGGTACTG[T>G]ACTTTAAAGAGGTCACTTCAAGTGTAGACTCATTGTCCTGTATATTGGTTCTGTCCTTTA-3'
Protein context (NP_114432.2, residues 906-926): ESTLEVTSLK[Tyr916Ser]STSPYLLEAA

ClinVar aggregate classification (germline): Uncertain significance (1 of 4 stars; one submission).

Conditions:
Hereditary cancer-predisposing syndrome. Also called: Tumor predisposition; Hereditary Cancer Syndrome; Neoplastic Syndromes, Hereditary; Hereditary neoplastic syndrome. Identifiers: Orphanet 140162, MedGen C0027672, MeSH D009386, MONDO:0015356.

Submission:

Ambry Genetics
Classification: Uncertain significance for Hereditary cancer-predisposing syndrome. Last evaluated: 2019-08-08. Review status: criteria provided, single submitter. Criteria: Ambry Variant Classification Scheme 2023. Collection method: clinical testing. Allele origin: germline.
Comment: The p.Y916S variant (also known as c.2747A>C), located in coding exon 18 of the BRIP1 gene, results from an A to C substitution at nucleotide position 2747. The tyrosine at codon 916 is replaced by serine, an amino acid with dissimilar properties. This amino acid position is poorly conserved in available vertebrate species. In addition, this alteration is predicted to be tolerated by in silico analysis. Since supporting evidence is limited at this time, the clinical significance of this alteration remains unclear.